The following is an entry in ClinVar:

ClinVar aggregate classification (germline): Uncertain significance. Review status: criteria provided, multiple submitters, no conflicts (2 of 4 stars). 2 submissions from 2 submitters: Uncertain significance (2). Last evaluated 2025-09-22.

Conditions:
Primary pulmonary hypertension. Also called: Idiopathic pulmonary hypertension. Identifiers: MedGen C0152171.
Inborn genetic diseases. Identifiers: MedGen C0950123, MeSH D030342.

Submissions (2):

Ambry Genetics
Classification: Uncertain significance for Inborn genetic diseases. Last evaluated: 2025-09-22. Review status: criteria provided, single submitter. Criteria: Ambry Variant Classification Scheme 2023. Collection method: clinical testing. Allele origin: germline.
Comment: The p.T112K variant (also known as c.335C>A), located in coding exon 3 of the BMPR2 gene, results from a C to A substitution at nucleotide position 335. The threonine at codon 112 is replaced by lysine, an amino acid with similar properties. This amino acid position is conserved. In addition, this alteration is predicted to be deleterious by in silico analysis. Based on the available evidence, the clinical significance of this variant remains unclear.

Labcorp Genetics (formerly Invitae), Labcorp
Classification: Uncertain significance for Primary pulmonary hypertension. Last evaluated: 2020-01-13. Review status: criteria provided, single submitter. Criteria: Invitae Variant Classification Sherloc (09022015). Collection method: clinical testing. Allele origin: germline.
Comment: This variant is not present in population databases (ExAC no frequency). In summary, the available evidence is currently insufficient to determine the role of this variant in disease. Therefore, it has been classified as a Variant of Uncertain Significance. Algorithms developed to predict the effect of missense changes on protein structure and function are either unavailable or do not agree on the potential impact of this missense change (SIFT: "Deleterious"; PolyPhen-2: "Possibly Damaging"; Align-GVGD: "Class C15"). This variant has not been reported in the literature in individuals with BMPR2-related conditions. This sequence change replaces threonine with lysine at codon 112 of the BMPR2 protein (p.Thr112Lys). The threonine residue is highly conserved and there is a moderate physicochemical difference between threonine and lysine.

NM_001204.7(BMPR2):c.335C>A (p.Thr112Lys)

Gene: BMPR2 (bone morphogenetic protein receptor type 2; plus strand). Cytogenetic location: 2q33.1.
Variant type: single nucleotide variant.
Coding change: c.335C>A on transcript NM_001204.7 (MANE Select); coding-DNA position 335, C replaced by A.
Protein change: p.Thr112Lys; replaces threonine 112 with lysine.
Molecular consequence: missense variant.
Genome position (GRCh38, 1-based): chr2:202,467,606, C>A. VCF-style: chr2-202467606-C-A. GRCh37 (hg19) VCF-style: chr2-203332329-C-A.
Other names: c.335C>A (NM_001204.6); short protein forms T112K.
Identifiers: ClinVar variation 1056659 (VCV001056659.10), dbSNP rs2105962314, ClinGen allele CA350399694.